The following is an entry in ClinVar:

ClinVar aggregate classification (germline): Uncertain significance. Review status: criteria provided, multiple submitters, no conflicts (2 of 4 stars). 2 submissions from 2 submitters: Uncertain significance (2). Last evaluated 2022-07-12.

Conditions:
Inborn genetic diseases. Identifiers: MedGen C0950123, MeSH D030342.
Neuronopathy, distal hereditary motor, autosomal recessive 5. Also called: NEUROPATHY, DISTAL HEREDITARY MOTOR, AUTOSOMAL RECESSIVE 5; Spinal muscular atrophy, distal, autosomal recessive, 5; Young adult-onset distal hereditary motor neuropathy. Identifiers: Orphanet 314485, Orphanet 443950, MedGen C4749918, MONDO:0013947, OMIM 614881.

Submissions (2):

Labcorp Genetics (formerly Invitae), Labcorp
Classification: Uncertain significance for Neuronopathy, distal hereditary motor, autosomal recessive 5. Last evaluated: 2022-07-12. Review status: criteria provided, single submitter. Criteria: Invitae Variant Classification Sherloc (09022015). Collection method: clinical testing. Allele origin: germline.
Comment: In summary, the available evidence is currently insufficient to determine the role of this variant in disease. Therefore, it has been classified as a Variant of Uncertain Significance. This variant, c.197_205del, results in the deletion of 3 amino acid(s) of the DNAJB2 protein (p.Asp66_Tyr68del), but otherwise preserves the integrity of the reading frame. This variant is present in population databases (rs749724691, gnomAD 0.003%). This variant has not been reported in the literature in individuals affected with DNAJB2-related conditions. ClinVar contains an entry for this variant (Variation ID: 576704). Experimental studies and prediction algorithms are not available or were not evaluated, and the functional significance of this variant is currently unknown.

Ambry Genetics
Classification: Uncertain significance for Inborn genetic diseases. Last evaluated: 2021-05-07. Review status: criteria provided, single submitter. Criteria: Ambry Variant Classification Scheme 2023. Collection method: clinical testing. Allele origin: germline.
Comment: The c.197_205delACCGCTATG variant (also known as p.D66_Y68del) is located in coding exon 3 of the DNAJB2 gene. This variant results from an in-frame ACCGCTATG deletion at nucleotide positions 197 to 205. This results in the in-frame deletion of aspartic acid, arginine, and tyrosine between codons 66 and 68. This amino acid region is well conserved in available vertebrate species. In addition, this alteration is predicted to be deleterious by in silico analysis (Choi Y et al. PLoS ONE. 2012; 7(10):e46688). Since supporting evidence is limited at this time, the clinical significance of this alteration remains unclear.

NM_006736.6(DNAJB2):c.197_205del (p.Asp66_Tyr68del)

Gene: DNAJB2 (DnaJ heat shock protein family (Hsp40) member B2; plus strand). Cytogenetic location: 2q35.
Variant type: Deletion.
Coding change: c.197_205del on transcript NM_006736.6 (MANE Select); coding-DNA positions 197 to 205, 9 bases deleted (ACCGCTATG; older notation c.197_205delACCGCTATG).
Protein change: p.Asp66_Tyr68del.
Molecular consequence: inframe deletion.
Genome position (GRCh38, 1-based): chr2:219,281,739-219,281,747, ACCGCTATG deleted; deleting any 9 consecutive bases within chr2:219,281,738-219,281,747 gives the same sequence; the c. name uses the placement nearest the transcript's 3' end. VCF-style (leftmost placement, unchanged base first): chr2-219281737-CGACCGCTAT-C. GRCh37 (hg19) VCF-style: chr2-220146459-CGACCGCTAT-C.
Other names: c.197_205del (NM_001039550.1); c.197_205del, p.Asp66_Tyr68del (NM_001039550.2).
Identifiers: ClinVar variation 576704 (VCV000576704.12), dbSNP rs749724691, ClinGen allele CA2122858.
Genomic context (GRCh38, chr2:219,281,737, plus strand): 5'-ATCCCAGAGGGAGGGTGAAATGATCTGGTCTCTTTTTGCAGAGCACAAGCGGGAGATTTA[CGACCGCTAT>C]GGCCGGGAAGGGCTGACAGGGACAGGTAGGTGGAGTGGTGAGGCCCAGGAATGGAGGTGG-3'